The following is an entry in ClinVar:

ClinVar aggregate classification (germline): Likely benign (1 of 4 stars; one submission).

Allele frequency attached by ClinVar (database versions not stated): 1000 Genomes Project 30x 0.00125.

Submission:

CeGaT Center for Human Genetics Tuebingen
Classification: Likely benign. Last evaluated: 2023-02-01. Review status: criteria provided, single submitter. Criteria: CeGaT Center For Human Genetics Tuebingen Variant Classification Criteria Version 2. Collection method: clinical testing. Allele origin: germline. Affected: yes. Observed: 1 variant allele.
Comment: USP17L4: BS2

NM_001256874.1(USP17L4):c.1303G>A (p.Asp435Asn)

Genes: FAM66B (family with sequence similarity 66 member B; minus strand), USP17L4 (ubiquitin specific peptidase 17 like family member 4; plus strand). Cytogenetic location: 8p23.1.
Variant type: single nucleotide variant.
Coding change: c.1303G>A on transcript NM_001256874.1 (MANE Select); coding-DNA position 1303, G replaced by A.
Protein change: p.Asp435Asn; replaces aspartic acid 435 with asparagine.
Molecular consequence: missense variant.
Genome position (GRCh38, 1-based): chr8:7,338,417, G>A. VCF-style: chr8-7338417-G-A. GRCh37 (hg19) VCF-style: chr8-7195939-G-A.
Other names: short protein forms D435N.
Identifiers: ClinVar variation 2658360 (VCV002658360.24), dbSNP rs765526325, ClinGen allele CA4614988.
Genomic context (GRCh38, chr8:7,338,417, plus strand): 5'-CTCCAGGTACCCGAGTTGGACGAGCACTTGGTGGAAAGAGCCACTGAGGAAAGCACCTTA[G>A]ACCACTGGAAATTCCCCCAAGAGCAAAACAAAATGAAGCCTGAGTTCAACGTCAGAAAAG-3'
Protein context (NP_001243803.1, residues 425-445): VERATEESTL[Asp435Asn]HWKFPQEQNK